The following is an entry in ClinVar:

NM_000257.4(MYH7):c.733-2A>G

Gene: MYH7 (myosin heavy chain 7; minus strand). Cytogenetic location: 14q11.2.
Variant type: single nucleotide variant.
Coding change: c.733-2A>G on transcript NM_000257.4 (MANE Select); the canonical splice acceptor site of the intron before coding-DNA position 733, A replaced by G.
Molecular consequence: splice acceptor variant.
Genome position (GRCh38, 1-based): chr14:23,431,483, T>C on the plus strand (A>G on the coding strand, the complement: MYH7 is on the minus strand). VCF-style: chr14-23431483-T-C. GRCh37 (hg19) VCF-style: chr14-23900692-T-C.
Other names: c.733-2A>G (NM_001407004.1).
Identifiers: ClinVar variation 3069283 (VCV003069283.3), dbSNP rs1260812612, ClinGen allele CA389052162.

ClinVar aggregate classification (germline): Uncertain significance. Review status: criteria provided, multiple submitters, no conflicts (2 of 4 stars). 2 submissions from 2 submitters: Uncertain significance (2). Last evaluated 2024-05-06.

Conditions:
Hypertrophic cardiomyopathy. Also called: HYPERTROPHIC MYOCARDIOPATHY. Identifiers: Orphanet 217569, MedGen C0007194, MeSH D002312, MONDO:0005045, HP:0001639.
Cardiomyopathy (CMYO). Also called: Cardiomyopathies. Identifiers: Orphanet 167848, MedGen C0878544, MONDO:0004994, HP:0001638. Inheritance: Various modes of inheritance.

Allele frequency attached by ClinVar (database versions not stated): TOPMed below 0.00001; gnomAD 0.00001; gnomAD exomes 0.00001.
gnomAD v4.1: 13 of 1,614,016 alleles (0.00081%); highest among the groups gnomAD compares: Non-Finnish European, 0.0011%; no homozygotes.

Submissions (2):

Labcorp Genetics (formerly Invitae), Labcorp
Classification: Uncertain significance for Hypertrophic cardiomyopathy. Last evaluated: 2024-05-06. Review status: criteria provided, single submitter. Criteria: Invitae Variant Classification Sherloc (09022015). Collection method: clinical testing. Allele origin: germline.
Comment: This sequence change affects an acceptor splice site in intron 8 of the MYH7 gene. It is expected to disrupt RNA splicing. Variants that disrupt the donor or acceptor splice site typically lead to a loss of protein function (PMID: 16199547), however the current clinical and genetic evidence is not sufficient to establish whether loss-of-function variants in MYH7 cause disease. This variant is not present in population databases (gnomAD no frequency). This variant has not been reported in the literature in individuals affected with MYH7-related conditions. Algorithms developed to predict the effect of sequence changes on RNA splicing suggest that this variant may disrupt the consensus splice site. In summary, the available evidence is currently insufficient to determine the role of this variant in disease. Therefore, it has been classified as a Variant of Uncertain Significance.

All of Us Research Program, National Institutes of Health
Classification: Uncertain significance for Cardiomyopathy. Last evaluated: 2023-06-26. Review status: criteria provided, single submitter. Criteria: ACMG Guidelines, 2015. Collection method: clinical testing. Allele origin: germline. Inheritance: Autosomal dominant inheritance. Observed: 1 variant allele, 1 heterozygote.
Comment: This variant causes an A to G nucleotide substitution at the -2 position of intron 8 of the MYH7 gene. Splice site prediction tools suggest that this variant may have a significant impact on RNA splicing, although this prediction has not been confirmed in published RNA studies. To our knowledge, functional studies have not been reported for this variant. This variant has not been reported in individuals affected with MYH7-related disorders in the literature. Clinical relevance of loss-of-function MYH7 truncation and splice variants in autosomal dominant cardiovascular disorders is not clearly established. This variant has not been identified in the general population by the Genome Aggregation Database (gnomAD). The available evidence is insufficient to determine the role of this variant in disease conclusively. Therefore, this variant is classified as a Variant of Uncertain Significance.

This study involves interpretation of variants in research participants for the purpose of population health screening. Participant phenotype was not available at the time of variant classification. Additional details can be found in publication PMID: 35346344, PMCID: PMC8962531

Literature cited by the submitters: PubMed 16199547 (cited by Labcorp Genetics (formerly Invitae), Labcorp).